The following is an entry in ClinVar:

NM_001370658.1(BTD):c.1181_1192del (p.Tyr394_Val397del)

Gene: BTD (biotinidase; plus strand). Cytogenetic location: 3p25.1.
Variant type: Deletion.
Coding change: c.1181_1192del on transcript NM_001370658.1 (MANE Select); coding-DNA positions 1181 to 1192, 12 bases deleted (ATCTCCACGTCT).
Protein change: p.Tyr394_Val397del.
Molecular consequence: intron variant (on NM_001370752.1).
Genome position (GRCh38, 1-based): chr3:15,645,097-15,645,108, ATCTCCACGTCT deleted; deleting any 12 consecutive bases within chr3:15,645,095-15,645,108 gives the same sequence; the c. name uses the placement nearest the transcript's 3' end. VCF-style (leftmost placement, unchanged base first): chr3-15645094-GCTATCTCCACGT-G. GRCh37 (hg19) VCF-style: chr3-15686601-GCTATCTCCACGT-G.
Other names: c.1181_1192del12 (NM_001370658.1); c.1241_1252del (NM_000060.4); c.1241_1252del12 (NM_000060.2); c.1181_1192del, p.Tyr394_Val397del (NM_001281723.4, NM_001281724.3, NM_001281725.3 and 16 more transcripts); c.1015+166_1015+177del (NM_001370752.1, NM_001407379.1); c.399+3040_399+3051del (NM_001370753.1, NM_001407400.1, NM_001407380.1 and 3 more transcripts); c.1181_1192delATCTCCACGTCT (NM_001370658.1).
Identifiers: ClinVar variation 38573 (VCV000038573.22), dbSNP rs397514404, ClinGen allele CA278384.
Genomic context (GRCh38, chr3:15,645,094, plus strand): 5'-CATTTCACTCTGAGATGATGTATGACAATTTCACCCTGGTCCCTGTCTGGGGAAAGGAAG[GCTATCTCCACGT>G]CTGTTCCAATGGCCTCTGCTGTTATTTACTTTACGAGAGGCCCACCTTATCCAAAGAGCT-3'

ClinVar aggregate classification (germline): Pathogenic/Likely pathogenic. Review status: criteria provided, multiple submitters, no conflicts (2 of 4 stars). 8 submissions from 8 submitters: Pathogenic (6); Likely pathogenic (1). 1 of the submissions does not count toward it. Last evaluated 2025-08-11.

Conditions:
Biotinidase deficiency. Also called: Biotin deficiency; BTD deficiency; Late-onset biotin-responsive multiple carboxylase deficiency. Identifiers: Orphanet 79241, MedGen C0220754, MONDO:0009665, OMIM 253260.

Submissions (8):

Labcorp Genetics (formerly Invitae), Labcorp
Classification: Pathogenic for Biotinidase deficiency. Last evaluated: 2025-08-11. Review status: criteria provided, single submitter. Criteria: Invitae Variant Classification Sherloc (09022015). Collection method: clinical testing. Allele origin: germline.
Comment: This variant, c.1241_1252del, results in the deletion of 4 amino acid(s) of the BTD protein (p.Tyr414_Val417del), but otherwise preserves the integrity of the reading frame. This variant is present in population databases (rs397514404, gnomAD 0.002%). This variant has been observed in individual(s) with biotinidase deficiency (PMID: 9396567, 12359137, 26810761). This variant is also known as 1239del12. ClinVar contains an entry for this variant (Variation ID: 38573). Experimental studies and prediction algorithms are not available or were not evaluated, and the functional significance of this variant is currently unknown. For these reasons, this variant has been classified as Pathogenic.

Natera, Inc.
Classification: Pathogenic for Biotinidase deficiency. Last evaluated: 2025-06-24. Review status: criteria provided, single submitter. Criteria: Natera Variant Classification Schema (03/2026). Collection method: clinical testing. Allele origin: germline.
Comment: The c.1241_1252delATCTCCACGTCT variant in BTD is an in-frame deletion. This variant is rare in the general population with a frequency below the threshold expected for the associated phenotype(s). This variant has been observed in one or more individuals affected with the associated recessive disease, as either homozygous or compound heterozygous with a second variant (PMID: 9396567, 12359137, 38299772). Additionally, this variant has been observed to segregate in affected family members (PMID: 9396567). This variant results in a change to the protein length while preserving reading frame, which may disrupt normal protein structure or function. Computational prediction algorithms indicate this variant is likely to affect gene or protein function. Given the available evidence, this variant is classified as Pathogenic.

Fulgent Genetics
Classification: Likely pathogenic for Biotinidase deficiency. Last evaluated: 2024-01-09. Review status: criteria provided, single submitter. Criteria: ACMG Guidelines, 2015. Collection method: clinical testing. Allele origin: germline.

Baylor Genetics
Classification: Pathogenic for Biotinidase deficiency. Last evaluated: 2023-05-18. Review status: criteria provided, single submitter. Criteria: ACMG Guidelines, 2015. Collection method: clinical testing. Allele origin: unknown.

Women's Health and Genetics/Laboratory Corporation of America, LabCorp
Classification: Pathogenic for Biotinidase deficiency. Last evaluated: 2023-03-06. Review status: criteria provided, single submitter. Criteria: LabCorp Variant Classification Summary - May 2015. Collection method: clinical testing. Allele origin: germline.
Comment: Variant summary: BTD c.1181_1192del12 (p.Tyr394_Val397del) results in an in-frame deletion that is predicted to remove 4 amino acids from the encoded protein. The variant allele was found at a frequency of 8e-06 in 251318 control chromosomes. c.1181_1192del12 has been reported in the literature in multiple individuals affected with Biotinidase Deficiency (examples: Pomponio_1997, Wolf_2002). These data indicate that the variant is very likely to be associated with disease. To our knowledge, no experimental evidence demonstrating an impact on protein function has been reported. Five clinical diagnostic laboratories have submitted clinical-significance assessments for this variant to ClinVar after 2014 without evidence for independent evaluation. All laboratories classified the variant as pathogenic (n=3) or likely pathogenic (n=2). Based on the evidence outlined above, the variant was classified as pathogenic.

GeneDx
Classification: Pathogenic. Last evaluated: 2021-04-05. Review status: criteria provided, single submitter. Criteria: GeneDx Variant Classification Process June 2021. Collection method: clinical testing. Allele origin: germline. Affected: yes.
Comment: In-frame deletion of 4 amino acids in a non-repeat region predicted to critically alter the protein; Not observed at a significant frequency in large population cohorts (Lek et al., 2016); This variant is associated with the following publications: (PMID: 9396567, 12359137, 26810761)

Eurofins Ntd Llc (ga)
Classification: Pathogenic. Last evaluated: 2016-10-26. Review status: criteria provided, single submitter. Criteria: EGL Classification Definitions 2015. Collection method: clinical testing. Allele origin: germline. Observed: 1 variant allele, 1 heterozygote.

Counsyl
Classification: Likely pathogenic for Biotinidase deficiency. Last evaluated: 2018-01-18. Review status: no assertion criteria provided. Collection method: clinical testing. Allele origin: unknown. Not counted in ClinVar's aggregate classification.

Literature cited by the submitters: PubMed 9396567 (cited by 5 submitters); PubMed 12359137 (cited by 4 submitters); PubMed 26810761 (cited by Labcorp Genetics (formerly Invitae), Labcorp); PubMed 38299772 (cited by Natera, Inc.).